The following is an entry in ClinVar:

ClinVar aggregate classification (germline): Likely benign. Review status: criteria provided, multiple submitters, no conflicts (2 of 4 stars). 3 submissions from 3 submitters: Likely benign (3). Last evaluated 2025-12-26.

Conditions:
Dilated cardiomyopathy 1G (CMD1G). Identifiers: Orphanet 154, MedGen C1858763, MONDO:0011400, OMIM 604145.
Autosomal recessive limb-girdle muscular dystrophy type 2J (LGMDR10). Also called: MUSCULAR DYSTROPHY, LIMB-GIRDLE, AUTOSOMAL RECESSIVE 10; Limb-girdle muscular dystrophy, type 2J. Identifiers: Orphanet 140922, MedGen C1837342, MONDO:0012127, OMIM 608807.
Cardiovascular phenotype. Identifiers: MedGen CN230736.

Allele frequency attached by ClinVar (database versions not stated): gnomAD exomes 0.00001 and 0.00002; TOPMed 0.00006; gnomAD 0.00012 and 0.00013.
gnomAD v4.1: 27 of 1,613,226 alleles (0.0017%); highest among the groups gnomAD compares: Admixed American, 0.038%; no homozygotes.

Submissions (3):

Labcorp Genetics (formerly Invitae), Labcorp
Classification: Likely benign for Dilated cardiomyopathy 1G; Autosomal recessive limb-girdle muscular dystrophy type 2J. Last evaluated: 2025-12-26. Review status: criteria provided, single submitter. Criteria: Invitae Variant Classification Sherloc (09022015). Collection method: clinical testing. Allele origin: germline.

CeGaT Center for Human Genetics Tuebingen
Classification: Likely benign. Last evaluated: 2024-08-01. Review status: criteria provided, single submitter. Criteria: CeGaT Center For Human Genetics Tuebingen Variant Classification Criteria Version 2. Collection method: clinical testing. Allele origin: germline. Affected: yes. Observed: 1 variant allele.
Comment: TTN: BP4, BP7

Ambry Genetics
Classification: Likely benign for Cardiovascular phenotype. Last evaluated: 2024-04-08. Review status: criteria provided, single submitter. Criteria: Ambry Variant Classification Scheme 2023. Collection method: clinical testing. Allele origin: germline.

NM_001267550.2(TTN):c.62136C>T (p.Ser20712=)

Genes: TTN (titin; minus strand), TTN-AS1 (TTN antisense RNA 1; plus strand). Cytogenetic location: 2q31.2.
Variant type: single nucleotide variant.
Coding change: c.62136C>T on transcript NM_001267550.2 (MANE Select); coding-DNA position 62136, C replaced by T.
Protein change: p.Ser20712=; no amino-acid change (serine 20712 retained).
Molecular consequence: synonymous variant.
Genome position (GRCh38, 1-based): chr2:178,589,589, G>A on the plus strand (C>T on the coding strand, the complement: TTN is on the minus strand). VCF-style: chr2-178589589-G-A. GRCh37 (hg19) VCF-style: chr2-179454316-G-A.
Other names: c.57213C>T, p.Ser19071= (NM_001256850.1); c.34941C>T, p.Ser11647= (NM_003319.4); c.54432C>T, p.Ser18144= (NM_133378.4); c.35316C>T, p.Ser11772= (NM_133432.3); c.35517C>T, p.Ser11839= (NM_133437.4).
Identifiers: ClinVar variation 1542357 (VCV001542357.17), dbSNP rs901971997, ClinGen allele CA60967438.